The following is an entry in ClinVar:

NM_015450.3(POT1):c.1315G>A (p.Val439Met)

Gene: POT1 (protection of telomeres 1; minus strand). Cytogenetic location: 7q31.33.
Variant type: single nucleotide variant.
Coding change: c.1315G>A on transcript NM_015450.3 (MANE Select); coding-DNA position 1315, G replaced by A.
Protein change: p.Val439Met; replaces valine 439 with methionine.
Molecular consequence: missense variant. On other transcripts: non-coding transcript variant (3).
Genome position (GRCh38, 1-based): chr7:124,841,027, C>T on the plus strand (G>A on the coding strand, the complement: POT1 is on the minus strand). VCF-style: chr7-124841027-C-T. GRCh37 (hg19) VCF-style: chr7-124481081-C-T.
Other names: c.922G>A, p.Val308Met (NM_001042594.2); short protein forms V439M, V308M.
Identifiers: ClinVar variation 818885 (VCV000818885.16), dbSNP rs547000637, ClinGen allele CA369066898.

ClinVar aggregate classification (germline): Uncertain significance. Review status: criteria provided, multiple submitters, no conflicts (2 of 4 stars). 2 submissions from 2 submitters: Uncertain significance (2). Last evaluated 2025-05-14.

Conditions:
Tumor predisposition syndrome 3 (TPDS3). Also called: Glioma susceptibility 9; LONG TELOMERE SYNDROME, POT1-RELATED; POT1 Tumor Predisposition; Melanoma, cutaneous malignant, susceptibility to, 10. Identifiers: Orphanet 618, MedGen C4014476, MONDO:0014368, OMIM 615848.
Hereditary cancer-predisposing syndrome. Also called: Tumor predisposition; Hereditary Cancer Syndrome; Hereditary neoplastic syndrome; Neoplastic Syndromes, Hereditary. Identifiers: Orphanet 140162, MedGen C0027672, MeSH D009386, MONDO:0015356.

Submissions (2):

Labcorp Genetics (formerly Invitae), Labcorp
Classification: Uncertain significance for Tumor predisposition syndrome 3. Last evaluated: 2025-05-14. Review status: criteria provided, single submitter. Criteria: Invitae Variant Classification Sherloc (09022015). Collection method: clinical testing. Allele origin: germline.
Comment: This sequence change replaces valine, which is neutral and non-polar, with methionine, which is neutral and non-polar, at codon 439 of the POT1 protein (p.Val439Met). This variant is not present in population databases (gnomAD no frequency). This variant has not been reported in the literature in individuals affected with POT1-related conditions. ClinVar contains an entry for this variant (Variation ID: 818885). Invitae Evidence Modeling of protein sequence and biophysical properties (such as structural, functional, and spatial information, amino acid conservation, physicochemical variation, residue mobility, and thermodynamic stability) indicates that this missense variant is not expected to disrupt POT1 protein function with a negative predictive value of 80%. In summary, the available evidence is currently insufficient to determine the role of this variant in disease. Therefore, it has been classified as a Variant of Uncertain Significance.

Ambry Genetics
Classification: Uncertain significance for Hereditary cancer-predisposing syndrome. Last evaluated: 2025-04-13. Review status: criteria provided, single submitter. Criteria: Ambry Variant Classification Scheme 2023. Collection method: clinical testing. Allele origin: germline.
Comment: The p.V439M variant (also known as c.1315G>A), located in coding exon 10 of the POT1 gene, results from a G to A substitution at nucleotide position 1315. The valine at codon 439 is replaced by methionine, an amino acid with highly similar properties. This amino acid position is highly conserved in available vertebrate species. In addition, the in silico prediction for this alteration is inconclusive. Since supporting evidence is limited at this time, the clinical significance of this alteration remains unclear.